The following is an entry in ClinVar:

NM_052813.5(CARD9):c.1358G>A (p.Gly453Asp)

Gene: CARD9 (caspase recruitment domain family member 9; minus strand). Cytogenetic location: 9q34.3.
Variant type: single nucleotide variant.
Coding change: c.1358G>A on transcript NM_052813.5 (MANE Select); coding-DNA position 1358, G replaced by A.
Protein change: p.Gly453Asp; replaces glycine 453 with aspartic acid.
Molecular consequence: missense variant.
Genome position (GRCh38, 1-based): chr9:136,365,217, C>T on the plus strand (G>A on the coding strand, the complement: CARD9 is on the minus strand). VCF-style: chr9-136365217-C-T. GRCh37 (hg19) VCF-style: chr9-139259669-C-T.
Other names: c.1358G>A (NM_052813.4); c.1358G>A, p.Gly453Asp (NM_052814.4); short protein forms G453D.
Identifiers: ClinVar variation 999746 (VCV000999746.10), dbSNP rs745340091, ClinGen allele CA5332666.

ClinVar aggregate classification (germline): Uncertain significance. Review status: criteria provided, multiple submitters, no conflicts (2 of 4 stars). 2 submissions from 2 submitters: Uncertain significance (2). Last evaluated 2025-09-26.

Conditions:
Inborn genetic diseases. Identifiers: MedGen C0950123, MeSH D030342.
Predisposition to invasive fungal disease due to CARD9 deficiency (IMD103). Also called: Candidiasis, familial, 2, autosomal recessive; CARD9 IMMUNODEFICIENCY; IMMUNODEFICIENCY 103, SUSCEPTIBILITY TO FUNGAL INFECTIONS. Identifiers: Orphanet 457088, MedGen C1859353, MONDO:0008905, OMIM 212050.

Allele frequency attached by ClinVar (database versions not stated): gnomAD 0.00001; TOPMed 0.00001; gnomAD exomes 0.00005 and 0.00009; ExAC 0.00009.
gnomAD v4.1: 69 of 1,608,264 alleles (0.0043%); highest among the groups gnomAD compares: South Asian, 0.07%; 1 homozygote.

Submissions (2):

Ambry Genetics
Classification: Uncertain significance for Inborn genetic diseases. Last evaluated: 2025-09-26. Review status: criteria provided, single submitter. Criteria: Ambry Variant Classification Scheme 2023. Collection method: clinical testing. Allele origin: germline.

Labcorp Genetics (formerly Invitae), Labcorp
Classification: Uncertain significance for Predisposition to invasive fungal disease due to CARD9 deficiency. Last evaluated: 2022-08-23. Review status: criteria provided, single submitter. Criteria: Invitae Variant Classification Sherloc (09022015). Collection method: clinical testing. Allele origin: germline.
Comment: This variant has not been reported in the literature in individuals affected with CARD9-related conditions. In summary, the available evidence is currently insufficient to determine the role of this variant in disease. Therefore, it has been classified as a Variant of Uncertain Significance. Algorithms developed to predict the effect of missense changes on protein structure and function are either unavailable or do not agree on the potential impact of this missense change (SIFT: "Deleterious"; PolyPhen-2: "Benign"; Align-GVGD: "Class C0"). ClinVar contains an entry for this variant (Variation ID: 999746). This variant is present in population databases (rs745340091, gnomAD 0.07%). This sequence change replaces glycine, which is neutral and non-polar, with aspartic acid, which is acidic and polar, at codon 453 of the CARD9 protein (p.Gly453Asp).